The following is an entry in ClinVar:

NM_014314.4(RIGI):c.500G>A (p.Trp167Ter)

Gene: RIGI (RNA sensor RIG-I; minus strand). Cytogenetic location: 9p21.1.
Variant type: single nucleotide variant.
Coding change: c.500G>A on transcript NM_014314.4 (MANE Select); coding-DNA position 500, G replaced by A.
Protein change: p.Trp167Ter; replaces tryptophan 167 with a stop codon.
Molecular consequence: nonsense. On other transcripts: intron variant (1).
Genome position (GRCh38, 1-based): chr9:32,492,462, C>T on the plus strand (G>A on the coding strand, the complement: RIGI is on the minus strand). VCF-style: chr9-32492462-C-T. GRCh37 (hg19) VCF-style: chr9-32492460-C-T.
Other names: c.500G>A, p.Trp167Ter (NM_001385907.1, NM_001385909.1); c.59G>A, p.Trp20Ter (NM_001385910.1, NM_001385914.1); c.485G>A, p.Trp162Ter (NM_001385913.1); c.-38-1042G>A (NM_001385912.1); short protein forms W162*, W20*, W167*.
Identifiers: ClinVar variation 3654541 (VCV003654541.2).

ClinVar aggregate classification (germline): Uncertain significance (1 of 4 stars; one submission).

Submission:

Labcorp Genetics (formerly Invitae), Labcorp
Classification: Uncertain significance. Last evaluated: 2024-05-25. Review status: criteria provided, single submitter. Criteria: Invitae Variant Classification Sherloc (09022015). Collection method: clinical testing. Allele origin: germline.
Comment: This sequence change creates a premature translational stop signal (p.Trp167*) in the DDX58 gene. It is expected to result in an absent or disrupted protein product. However, the current clinical and genetic evidence is not sufficient to establish whether loss-of-function variants in DDX58 cause disease. This variant is not present in population databases (gnomAD no frequency). This variant has not been reported in the literature in individuals affected with DDX58-related conditions. Algorithms developed to predict the effect of sequence changes on RNA splicing suggest that this variant may disrupt the consensus splice site. In summary, the available evidence is currently insufficient to determine the role of this variant in disease. Therefore, it has been classified as a Variant of Uncertain Significance.